The following is an entry in ClinVar:

NM_001166114.2(PNPLA6):c.765C>T (p.Asn255=)

Gene: PNPLA6 (patatin like domain 6, lysophospholipase; plus strand). Cytogenetic location: 19p13.2.
Variant type: single nucleotide variant.
Coding change: c.765C>T on transcript NM_001166114.2 (MANE Select); coding-DNA position 765, C replaced by T.
Protein change: p.Asn255=; no amino-acid change (asparagine 255 retained).
Molecular consequence: synonymous variant.
Genome position (GRCh38, 1-based): chr19:7,540,680, C>T. VCF-style: chr19-7540680-C-T. GRCh37 (hg19) VCF-style: chr19-7605566-C-T.
Other names: p.Asn216=; c.792C>T, p.Asn264= (NM_001166111.2); c.648C>T, p.Asn216= (NM_001166112.2, NM_001166113.1, NM_006702.5).
Identifiers: ClinVar variation 129979 (VCV000129979.28), dbSNP rs591040, ClinGen allele CA154710.

ClinVar aggregate classification (germline): Benign. Review status: criteria provided, multiple submitters, no conflicts (2 of 4 stars). 10 submissions from 10 submitters: Benign (7). 3 of the submissions do not count toward it. Last evaluated 2026-02-03.

Conditions:
Hereditary spastic paraplegia. Also called: Familial spastic paraparesis. Identifiers: Orphanet 685, MedGen C0037773, MONDO:0019064. Disease mechanism: loss of function.
Hereditary spastic paraplegia 39 (SPG39). Also called: Spastic Paraplegia Type 39 (SPG39); SPASTIC PARAPLEGIA 39, AUTOSOMAL RECESSIVE. Identifiers: Orphanet 139480, MedGen C2677586, MONDO:0012787, OMIM 612020.

Allele frequency attached by ClinVar (database versions not stated): 1000 Genomes Project 0.06709; 1000 Genomes Project 30x 0.06949; ESP Exome Variant Server 0.07020; gnomAD 0.07584 and 0.07695; TOPMed 0.07633; ExAC 0.09567; gnomAD exomes 0.09689 and 0.10125.
gnomAD v4.1: 152,450 of 1,613,114 alleles (9.5%); highest among the groups gnomAD compares: Admixed American, 18%; 8,166 homozygotes.

Submissions (10):

Labcorp Genetics (formerly Invitae), Labcorp
Classification: Benign for Hereditary spastic paraplegia 39. Last evaluated: 2026-02-03. Review status: criteria provided, single submitter. Criteria: Invitae Variant Classification Sherloc (09022015). Collection method: clinical testing. Allele origin: germline.

Blueprint Genetics
Classification: Benign. Last evaluated: 2024-11-28. Review status: criteria provided, single submitter. Criteria: ACMG Guidelines, 2015. Collection method: clinical testing. Allele origin: germline.

Illumina Laboratory Services, Illumina
Classification: Benign for Hereditary spastic paraplegia 39. Last evaluated: 2018-01-12. Review status: criteria provided, single submitter. Criteria: ICSL Variant Classification Criteria 13 December 2019. Collection method: clinical testing. Allele origin: germline.
Comment: This variant was observed in the ICSL laboratory as part of a predisposition screen in an ostensibly healthy population. It had not been previously curated by ICSL or reported in the Human Gene Mutation Database (HGMD: prior to June 1st, 2018), and was therefore a candidate for classification through an automated scoring system. Utilizing variant allele frequency, disease prevalence and penetrance estimates, and inheritance mode, an automated score was calculated to assess if this variant is too frequent to cause the disease. Based on the score and internal cut-off values, a variant classified as benign is not then subjected to further curation. The score for this variant resulted in a classification of benign for this disease.

Mayo Clinic Laboratories, Mayo Clinic
Classification: Benign. Last evaluated: 2017-08-21. Review status: criteria provided, single submitter. Criteria: ACMG Guidelines, 2015. Collection method: clinical testing. Allele origin: germline. Observed: 390 variant alleles.

Genome Diagnostics Laboratory, The Hospital for Sick Children
Classification: Benign for Hereditary spastic paraplegia. Last evaluated: 2016-12-12. Review status: criteria provided, single submitter. Criteria: ACMG Guidelines, 2015. Collection method: clinical testing. Allele origin: germline. Affected: yes.

GeneDx
Classification: Benign. Last evaluated: 2016-03-03. Review status: criteria provided, single submitter. Criteria: GeneDx Variant Classification (06012015). Collection method: clinical testing. Allele origin: germline. Affected: yes.
Comment: This variant is considered likely benign or benign based on one or more of the following criteria: it is a conservative change, it occurs at a poorly conserved position in the protein, it is predicted to be benign by multiple in silico algorithms, and/or has population frequency not consistent with disease.

Breakthrough Genomics
Classification: Benign. Review status: criteria provided, single submitter. Criteria: ACMG Guidelines, 2015. Collection method: not provided. Allele origin: germline. Inheritance: Autosomal recessive inheritance. Affected: yes.

Diagnostic Laboratory, Department of Genetics, University Medical Center Groningen
Classification: Benign. Review status: no assertion criteria provided. Collection method: clinical testing. Allele origin: germline. Affected: yes. Study: VKGL Data-share Consensus. Not counted in ClinVar's aggregate classification.

Genetic Services Laboratory, University of Chicago
Classification: Likely benign for AllHighlyPenetrant. Review status: no assertion criteria provided. Collection method: clinical testing. Allele origin: germline. Inheritance: Autosomal recessive inheritance. Not counted in ClinVar's aggregate classification.
Comment: Likely benign based on allele frequency in 1000 Genomes Project or ESP global frequency and its presence in a patient with a rare or unrelated disease phenotype. NOT Sanger confirmed.

Joint Genome Diagnostic Labs from Nijmegen and Maastricht, Radboudumc and MUMC+
Classification: Benign. Review status: no assertion criteria provided. Collection method: clinical testing. Allele origin: germline. Affected: yes. Study: VKGL Data-share Consensus. Not counted in ClinVar's aggregate classification.